The following is an entry in ClinVar:

NM_024844.5(NUP85):c.1625G>A (p.Arg542His)

Gene: NUP85 (nucleoporin 85; plus strand). Cytogenetic location: 17q25.1.
Variant type: single nucleotide variant.
Coding change: c.1625G>A on transcript NM_024844.5 (MANE Select); coding-DNA position 1625, G replaced by A.
Protein change: p.Arg542His; replaces arginine 542 with histidine.
Molecular consequence: missense variant.
Genome position (GRCh38, 1-based): chr17:75,234,646, G>A. VCF-style: chr17-75234646-G-A. GRCh37 (hg19) VCF-style: chr17-73230741-G-A.
Other names: c.1487G>A, p.Arg496His (NM_001303276.2); c.1490G>A, p.Arg497His (NM_001330472.2); short protein forms R496H, R542H, R497H.
Identifiers: ClinVar variation 2044867 (VCV002044867.1), dbSNP rs147921665, ClinGen allele CA8758948.

ClinVar aggregate classification (germline): Uncertain significance (1 of 4 stars; one submission).

Allele frequency attached by ClinVar (database versions not stated): ESP Exome Variant Server 0.00008; ExAC 0.00012; gnomAD 0.00018; TOPMed 0.00020.

Submission:

Labcorp Genetics (formerly Invitae), Labcorp
Classification: Uncertain significance. Last evaluated: 2022-06-09. Review status: criteria provided, single submitter. Criteria: Invitae Variant Classification Sherloc (09022015). Collection method: clinical testing. Allele origin: germline.
Comment: This sequence change replaces arginine, which is basic and polar, with histidine, which is basic and polar, at codon 542 of the NUP85 protein (p.Arg542His). This variant is present in population databases (rs147921665, gnomAD 0.03%). This variant has not been reported in the literature in individuals affected with NUP85-related conditions. Algorithms developed to predict the effect of missense changes on protein structure and function are either unavailable or do not agree on the potential impact of this missense change (SIFT: "Tolerated"; PolyPhen-2: "Possibly Damaging"; Align-GVGD: "Class C0"). In summary, the available evidence is currently insufficient to determine the role of this variant in disease. Therefore, it has been classified as a Variant of Uncertain Significance.